The following is an entry in ClinVar:

NM_001851.6(COL9A1):c.1999-3C>T

Gene: COL9A1 (collagen type IX alpha 1 chain; minus strand). Cytogenetic location: 6q13.
Variant type: single nucleotide variant.
Coding change: c.1999-3C>T on transcript NM_001851.6 (MANE Select); 3 bases into the intron before coding-DNA position 1999, C replaced by T.
Molecular consequence: intron variant.
Genome position (GRCh38, 1-based): chr6:70,241,457, G>A on the plus strand (C>T on the coding strand, the complement: COL9A1 is on the minus strand). VCF-style: chr6-70241457-G-A. GRCh37 (hg19) VCF-style: chr6-70951160-G-A.
Other names: c.1270-3C>T (NM_001377290.1, NM_078485.4); c.1300-3C>T (NM_001377289.1).
Identifiers: ClinVar variation 2824562 (VCV002824562.1), dbSNP rs886061697, ClinGen allele CA10627461.

ClinVar aggregate classification (germline): Uncertain significance (1 of 4 stars; one submission).

Allele frequency attached by ClinVar (database versions not stated): gnomAD exomes below 0.00001 and 0.00001.
gnomAD v4.1: 9 of 1,607,724 alleles (0.00056%); highest among the groups gnomAD compares: Non-Finnish European, 0.00068%; no homozygotes.

Submission:

Labcorp Genetics (formerly Invitae), Labcorp
Classification: Uncertain significance. Last evaluated: 2023-09-01. Review status: criteria provided, single submitter. Criteria: Invitae Variant Classification Sherloc (09022015). Collection method: clinical testing. Allele origin: germline.
Comment: In summary, the available evidence is currently insufficient to determine the role of this variant in disease. Therefore, it has been classified as a Variant of Uncertain Significance. Variants that disrupt the consensus splice site are a relatively common cause of aberrant splicing (PMID: 17576681, 9536098). Algorithms developed to predict the effect of sequence changes on RNA splicing suggest that this variant is not likely to affect RNA splicing. This variant has not been reported in the literature in individuals affected with COL9A1-related conditions. This variant is present in population databases (no rsID available, gnomAD 0.0009%). This sequence change falls in intron 30 of the COL9A1 gene. It does not directly change the encoded amino acid sequence of the COL9A1 protein. It affects a nucleotide within the consensus splice site.

Literature cited by the submitters: PubMed 17576681; PubMed 9536098.